The following is an entry in ClinVar:

ClinVar aggregate classification (germline): Pathogenic. Review status: criteria provided, multiple submitters, no conflicts (2 of 4 stars). 3 submissions from 3 submitters: Pathogenic (3). Last evaluated 2024-02-08.

Conditions:
Fanconi anemia (FA). Also called: Fanconi's anemia. Identifiers: Orphanet 84, MedGen C0015625, MeSH D005199, MONDO:0019391.
Fanconi anemia complementation group A (FANCA). Also called: FANCA-Related Fanconi Anemia; Fanconi anemia, group A. Identifiers: Orphanet 84, MedGen C3469521, MONDO:0009215, OMIM 227650.

Submissions (3):

Fulgent Genetics
Classification: Pathogenic for Fanconi anemia complementation group A. Last evaluated: 2024-02-08. Review status: criteria provided, single submitter. Criteria: ACMG Guidelines, 2015. Collection method: clinical testing. Allele origin: germline.

Labcorp Genetics (formerly Invitae), Labcorp
Classification: Pathogenic for Fanconi anemia. Last evaluated: 2023-11-27. Review status: criteria provided, single submitter. Criteria: Invitae Variant Classification Sherloc (09022015). Collection method: clinical testing. Allele origin: germline.
Comment: This sequence change creates a premature translational stop signal (p.Ala945Cysfs*6) in the FANCA gene. It is expected to result in an absent or disrupted protein product. Loss-of-function variants in FANCA are known to be pathogenic (PMID: 19367192). This variant is not present in population databases (gnomAD no frequency). This premature translational stop signal has been observed in individual(s) with Fanconi anemia (PMID: 30031030). In at least one individual the data is consistent with being in trans (on the opposite chromosome) from a pathogenic variant. ClinVar contains an entry for this variant (Variation ID: 1071066). For these reasons, this variant has been classified as Pathogenic.

Juno Genomics, Hangzhou Juno Genomics, Inc
Classification: Pathogenic for Fanconi anemia complementation group A. Review status: criteria provided, single submitter. Criteria: ACMG Guidelines, 2015. Collection method: clinical testing. Allele origin: germline.
Comment: Absent from controls (or at extremely low frequency if recessive) in Genome Aggregation Database.;Null variant in a gene where loss of function (LOF) is a known mechanism of disease.;For recessive disorders, detected in trans with a pathogenic variant.

Literature cited by the submitters: PubMed 19367192 (cited by Labcorp Genetics (formerly Invitae), Labcorp); PubMed 30031030 (cited by Labcorp Genetics (formerly Invitae), Labcorp).

NM_000135.4(FANCA):c.2832dup (p.Ala945fs)

Gene: FANCA (FA complementation group A; minus strand). Cytogenetic location: 16q24.3.
Variant type: Duplication.
Coding change: c.2832dup on transcript NM_000135.4 (MANE Select); coding-DNA position 2832, one base duplicated (T; older notation c.2832dupT).
Protein change: p.Ala945fs; shifts the reading frame from alanine 945.
Molecular consequence: frameshift variant.
Genome position (GRCh38, 1-based): chr16:89,761,969, A duplicated on the plus strand (T on the coding strand, the reverse complement: FANCA is on the minus strand). VCF-style (leftmost placement, unchanged base first): chr16-89761968-C-CA. GRCh37 (hg19) VCF-style: chr16-89828376-C-CA.
Other names: c.2832dup, p.Ala945fs (NM_001286167.3); short protein forms A945fs.
Identifiers: ClinVar variation 1071066 (VCV001071066.12), dbSNP rs2143260759, ClinGen allele CA2499223827.